The following is an entry in ClinVar:

NM_015158.5(KANK1):c.1968C>A (p.Ser656Arg)

Gene: KANK1 (KN motif and ankyrin repeat domains 1; plus strand). Cytogenetic location: 9p24.3.
Variant type: single nucleotide variant.
Coding change: c.1968C>A on transcript NM_015158.5 (MANE Select); coding-DNA position 1968, C replaced by A.
Protein change: p.Ser656Arg; replaces serine 656 with arginine.
Molecular consequence: missense variant. On other transcripts: non-coding transcript variant (1).
Genome position (GRCh38, 1-based): chr9:712,734, C>A. VCF-style: chr9-712734-C-A. GRCh37 (hg19) VCF-style: chr9-712734-C-A.
Other names: c.1494C>A, p.Ser498Arg (NM_001354344.2, NM_153186.6, NM_001354333.2 and 9 more transcripts); c.1968C>A, p.Ser656Arg (NM_001256876.3, NM_001256877.3, NM_001354331.2 and 2 more transcripts); short protein forms S498R, S656R.
Identifiers: ClinVar variation 3016129 (VCV003016129.3), dbSNP rs1047912382, ClinGen allele CA187837900.

ClinVar aggregate classification (germline): Uncertain significance (1 of 4 stars; one submission).

Allele frequency attached by ClinVar (database versions not stated): gnomAD 0.00001; gnomAD exomes 0.00001; TOPMed 0.00001.
gnomAD v4.1: 9 of 1,613,792 alleles (0.00056%); highest among the groups gnomAD compares: African/African-American, 0.0027%; no homozygotes.

Submission:

Labcorp Genetics (formerly Invitae), Labcorp
Classification: Uncertain significance. Last evaluated: 2023-04-06. Review status: criteria provided, single submitter. Criteria: Invitae Variant Classification Sherloc (09022015). Collection method: clinical testing. Allele origin: germline.
Comment: This sequence change replaces serine, which is neutral and polar, with arginine, which is basic and polar, at codon 656 of the KANK1 protein (p.Ser656Arg). This variant is not present in population databases (gnomAD no frequency). This variant has not been reported in the literature in individuals affected with KANK1-related conditions. Advanced modeling of protein sequence and biophysical properties (such as structural, functional, and spatial information, amino acid conservation, physicochemical variation, residue mobility, and thermodynamic stability) performed at Invitae indicates that this missense variant is not expected to disrupt KANK1 protein function. In summary, the available evidence is currently insufficient to determine the role of this variant in disease. Therefore, it has been classified as a Variant of Uncertain Significance.